The following is an entry in ClinVar:

NM_006821.6(ACOT2):c.551A>G (p.Gln184Arg)

Genes: ACOT2 (acyl-CoA thioesterase 2; plus strand), HEATR4 (HEAT repeat containing 4; minus strand). Cytogenetic location: 14q24.3.
Variant type: single nucleotide variant.
Coding change: c.551A>G on transcript NM_006821.6 (MANE Select); coding-DNA position 551, A replaced by G.
Protein change: p.Gln184Arg; replaces glutamine 184 with arginine.
Molecular consequence: missense variant. On other transcripts: intron variant (1).
Genome position (GRCh38, 1-based): chr14:73,569,791, A>G. VCF-style: chr14-73569791-A-G. GRCh37 (hg19) VCF-style: chr14-74036495-A-G.
Other names: c.551A>G, p.Gln184Arg (NM_001364178.1); c.52+395A>G (NM_001364177.1); short protein forms Q184R.
Identifiers: ClinVar variation 4083971 (VCV004083971.8).

ClinVar aggregate classification (germline): Likely benign (1 of 4 stars; one submission).

gnomAD v4.1: 12,596 of 1,571,772 alleles (0.8%); highest among the groups gnomAD compares: South Asian, 0.89%; 639 homozygotes.

Submission:

CeGaT Center for Human Genetics Tuebingen
Classification: Likely benign. Last evaluated: 2025-06-01. Review status: criteria provided, single submitter. Criteria: CeGaT Center For Human Genetics Tuebingen Variant Classification Criteria Version 2. Collection method: clinical testing. Allele origin: germline. Affected: yes. Observed: 1 variant allele.
Comment: ACOT2: BS2